The following is an entry in ClinVar:

ClinVar aggregate classification (germline): Uncertain significance. Review status: criteria provided, multiple submitters, no conflicts (2 of 4 stars). 2 submissions from 2 submitters: Uncertain significance (2). Last evaluated 2023-03-07.

Conditions:
Hereditary cancer-predisposing syndrome. Also called: Tumor predisposition; Neoplastic Syndromes, Hereditary; Hereditary Cancer Syndrome; Hereditary neoplastic syndrome. Identifiers: Orphanet 140162, MedGen C0027672, MeSH D009386, MONDO:0015356.
POLD1-related polyposis and colorectal cancer syndrome (CRCS10). Also called: Colorectal cancer 10; COLORECTAL CANCER, SUSCEPTIBILITY TO, ON CHROMOSOME 19q; Colorectal cancer, susceptibility to, 10. Identifiers: Orphanet 220460, MedGen C2675481, MONDO:0012953, OMIM 612591.

Submissions (2):

Labcorp Genetics (formerly Invitae), Labcorp
Classification: Uncertain significance for POLD1-related polyposis and colorectal cancer syndrome. Last evaluated: 2023-03-07. Review status: criteria provided, single submitter. Criteria: Invitae Variant Classification Sherloc (09022015). Collection method: clinical testing. Allele origin: germline.
Comment: This sequence change replaces alanine, which is neutral and non-polar, with glycine, which is neutral and non-polar, at codon 366 of the POLD1 protein (p.Ala366Gly). This variant is not present in population databases (gnomAD no frequency). This variant has not been reported in the literature in individuals affected with POLD1-related conditions. ClinVar contains an entry for this variant (Variation ID: 537070). Advanced modeling of protein sequence and biophysical properties (such as structural, functional, and spatial information, amino acid conservation, physicochemical variation, residue mobility, and thermodynamic stability) performed at Invitae indicates that this missense variant is not expected to disrupt POLD1 protein function. In summary, the available evidence is currently insufficient to determine the role of this variant in disease. Therefore, it has been classified as a Variant of Uncertain Significance.

Ambry Genetics
Classification: Uncertain significance for Hereditary cancer-predisposing syndrome. Last evaluated: 2019-06-25. Review status: criteria provided, single submitter. Criteria: Ambry Variant Classification Scheme 2023. Collection method: clinical testing. Allele origin: germline.
Comment: The p.A366G variant (also known as c.1097C>G), located in coding exon 8 of the POLD1 gene, results from a C to G substitution at nucleotide position 1097. The alanine at codon 366 is replaced by glycine, an amino acid with similar properties. This amino acid position is not well conserved in available vertebrate species. In addition, this alteration is predicted to be tolerated by in silico analysis. Since supporting evidence is limited at this time, the clinical significance of this alteration remains unclear.

NM_002691.4(POLD1):c.1097C>G (p.Ala366Gly)

Gene: POLD1 (DNA polymerase delta 1, catalytic subunit; plus strand). Cytogenetic location: 19q13.33.
Variant type: single nucleotide variant.
Coding change: c.1097C>G on transcript NM_002691.4 (MANE Select); coding-DNA position 1097, C replaced by G.
Protein change: p.Ala366Gly; replaces alanine 366 with glycine.
Molecular consequence: missense variant. On other transcripts: non-coding transcript variant (1).
Genome position (GRCh38, 1-based): chr19:50,403,179, C>G. VCF-style: chr19-50403179-C-G. GRCh37 (hg19) VCF-style: chr19-50906436-C-G.
Other names: c.1097C>G, p.Ala366Gly (NM_001256849.1, NM_001308632.1); short protein forms A366G.
Identifiers: ClinVar variation 537070 (VCV000537070.15), dbSNP rs1555790449, ClinGen allele CA406978317.